The following is an entry in ClinVar:

ClinVar aggregate classification (germline): Uncertain significance (1 of 4 stars; one submission).

Allele frequency attached by ClinVar (database versions not stated): gnomAD exomes below 0.00001.
gnomAD v4.1: 3 of 1,612,112 alleles (0.00019%); highest among the groups gnomAD compares: Non-Finnish European, 0.00025%; no homozygotes.

Submission:

Labcorp Genetics (formerly Invitae), Labcorp
Classification: Uncertain significance. Last evaluated: 2023-10-28. Review status: criteria provided, single submitter. Criteria: Invitae Variant Classification Sherloc (09022015). Collection method: clinical testing. Allele origin: germline.
Comment: This sequence change replaces glutamic acid, which is acidic and polar, with lysine, which is basic and polar, at codon 1330 of the SMARCA2 protein (p.Glu1330Lys). This variant is not present in population databases (gnomAD no frequency). This variant has not been reported in the literature in individuals affected with SMARCA2-related conditions. Advanced modeling of protein sequence and biophysical properties (such as structural, functional, and spatial information, amino acid conservation, physicochemical variation, residue mobility, and thermodynamic stability) performed at Invitae indicates that this missense variant is not expected to disrupt SMARCA2 protein function with a negative predictive value of 80%. In summary, the available evidence is currently insufficient to determine the role of this variant in disease. Therefore, it has been classified as a Variant of Uncertain Significance.

NM_003070.5(SMARCA2):c.3988G>A (p.Glu1330Lys)

Gene: SMARCA2 (SWI/SNF related BAF chromatin remodeling complex subunit ATPase 2; plus strand). Cytogenetic location: 9p24.3.
Variant type: single nucleotide variant.
Coding change: c.3988G>A on transcript NM_003070.5 (MANE Select); coding-DNA position 3988, G replaced by A.
Protein change: p.Glu1330Lys; replaces glutamic acid 1330 with lysine.
Molecular consequence: missense variant.
Genome position (GRCh38, 1-based): chr9:2,161,692, G>A. VCF-style: chr9-2161692-G-A. GRCh37 (hg19) VCF-style: chr9-2161692-G-A.
Other names: c.106G>A, p.Glu36Lys (NM_001289400.2); c.3988G>A, p.Glu1330Lys (NM_139045.4, NM_001289396.2); c.3814G>A, p.Glu1272Lys (NM_001289397.2); c.16G>A, p.Glu6Lys (NM_001289398.2); c.100G>A, p.Glu34Lys (NM_001289399.2); short protein forms E36K, E1272K, E1330K, E34K, E6K.
Identifiers: ClinVar variation 2784417 (VCV002784417.3), dbSNP rs2537507205, ClinGen allele CA372786546.